The following is an entry in ClinVar:

ClinVar aggregate classification (germline): Uncertain significance. Review status: criteria provided, multiple submitters, no conflicts (2 of 4 stars). 2 submissions from 2 submitters: Uncertain significance (2). Last evaluated 2025-03-05.

Conditions:
Inborn genetic diseases. Identifiers: MedGen C0950123, MeSH D030342.

Allele frequency attached by ClinVar (database versions not stated): gnomAD exomes below 0.00001.

Submissions (2):

Ambry Genetics
Classification: Uncertain significance for Inborn genetic diseases. Last evaluated: 2025-03-05. Review status: criteria provided, single submitter. Criteria: Ambry Variant Classification Scheme 2023. Collection method: clinical testing. Allele origin: germline.
Comment: The p.L1182F variant (also known as c.3544C>T), located in coding exon 36 of the FANCA gene, results from a C to T substitution at nucleotide position 3544. The leucine at codon 1182 is replaced by phenylalanine, an amino acid with highly similar properties. This amino acid position is conserved. In addition, this alteration is predicted to be tolerated by in silico analysis. Based on the available evidence, the clinical significance of this variant remains unclear.

Quest Diagnostics Nichols Institute San Juan Capistrano
Classification: Uncertain significance. Last evaluated: 2021-03-16. Review status: criteria provided, single submitter. Criteria: Quest Diagnostics criteria. Collection method: clinical testing. Allele origin: unknown.

NM_000135.4(FANCA):c.3544C>T (p.Leu1182Phe)

Gene: FANCA (FA complementation group A; minus strand). Cytogenetic location: 16q24.3.
Variant type: single nucleotide variant.
Coding change: c.3544C>T on transcript NM_000135.4 (MANE Select); coding-DNA position 3544, C replaced by T.
Protein change: p.Leu1182Phe; replaces leucine 1182 with phenylalanine.
Molecular consequence: missense variant.
Genome position (GRCh38, 1-based): chr16:89,745,041, G>A on the plus strand (C>T on the coding strand, the complement: FANCA is on the minus strand). VCF-style: chr16-89745041-G-A. GRCh37 (hg19) VCF-style: chr16-89811449-G-A.
Other names: c.3544C>T, p.Leu1182Phe (NM_001286167.3); c.3544C>T (NM_000135.2); short protein forms L1182F.
Identifiers: ClinVar variation 1330092 (VCV001330092.2), dbSNP rs2143088090, ClinGen allele CA397485734.